The following is an entry in ClinVar:

NM_002291.3(LAMB1):c.4133T>C (p.Leu1378Pro)

Gene: LAMB1 (laminin subunit beta 1; minus strand). Cytogenetic location: 7q31.1.
Variant type: single nucleotide variant.
Coding change: c.4133T>C on transcript NM_002291.3 (MANE Select); coding-DNA position 4133, T replaced by C.
Protein change: p.Leu1378Pro; replaces leucine 1378 with proline.
Molecular consequence: missense variant.
Genome position (GRCh38, 1-based): chr7:107,935,470, A>G on the plus strand (T>C on the coding strand, the complement: LAMB1 is on the minus strand). VCF-style: chr7-107935470-A-G. GRCh37 (hg19) VCF-style: chr7-107575915-A-G.
Other names: short protein forms L1378P.
Identifiers: ClinVar variation 2305198 (VCV002305198.3), dbSNP rs769712243, ClinGen allele CA368866001.

ClinVar aggregate classification (germline): Uncertain significance. Review status: criteria provided, multiple submitters, no conflicts (2 of 4 stars). 2 submissions from 2 submitters: Uncertain significance (2). Last evaluated 2025-10-14.

Conditions:
Inborn genetic diseases. Identifiers: MedGen C0950123, MeSH D030342.

Allele frequency attached by ClinVar (database versions not stated): TOPMed 0.00002.
gnomAD v4.1: 5 of 1,612,482 alleles (0.00031%); highest among the groups gnomAD compares: African/African-American, 0.004%; no homozygotes.

Submissions (2):

Labcorp Genetics (formerly Invitae), Labcorp
Classification: Uncertain significance. Last evaluated: 2025-10-14. Review status: criteria provided, single submitter. Criteria: Invitae Variant Classification Sherloc (09022015). Collection method: clinical testing. Allele origin: germline.
Comment: This sequence change replaces leucine, which is neutral and non-polar, with proline, which is neutral and non-polar, at codon 1378 of the LAMB1 protein (p.Leu1378Pro). This variant is not present in population databases (gnomAD no frequency). This variant has not been reported in the literature in individuals affected with LAMB1-related conditions. ClinVar contains an entry for this variant (Variation ID: 2305198). An algorithm developed to predict the effect of missense changes on protein structure and function (PolyPhen-2) suggests that this variant is likely to be disruptive. In summary, the available evidence is currently insufficient to determine the role of this variant in disease. Therefore, it has been classified as a Variant of Uncertain Significance.

Ambry Genetics
Classification: Uncertain significance for Inborn genetic diseases. Last evaluated: 2022-08-03. Review status: criteria provided, single submitter. Criteria: Ambry Variant Classification Scheme 2023. Collection method: clinical testing. Allele origin: germline.